The following is an entry in ClinVar:

ClinVar aggregate classification (germline): Uncertain significance (1 of 4 stars; one submission).

Conditions:
PIK3C2B-related disorder. Also called: PIK3C2B-related condition.

Submission:

PreventionGenetics, part of Exact Sciences
Classification: Uncertain significance for PIK3C2B-related condition. Last evaluated: 2025-06-04. Review status: criteria provided, single submitter. Criteria: ACMG Guidelines, 2015. Collection method: clinical testing. Allele origin: germline.
Comment: The PIK3C2B c.304C>T variant is predicted to result in the amino acid substitution p.Pro102Ser. To our knowledge, this variant has not been reported in the literature. This variant is absent in the large population database, gnomAD. At this time, the clinical significance of this variant is uncertain due to the absence of conclusive functional and genetic evidence.

NM_001377334.1(PIK3C2B):c.304C>T (p.Pro102Ser)

Gene: PIK3C2B (phosphatidylinositol-4-phosphate 3-kinase catalytic subunit type 2 beta; minus strand). Cytogenetic location: 1q32.1.
Variant type: single nucleotide variant.
Coding change: c.304C>T on transcript NM_001377334.1 (MANE Select); coding-DNA position 304, C replaced by T.
Protein change: p.Pro102Ser; replaces proline 102 with serine.
Molecular consequence: missense variant.
Genome position (GRCh38, 1-based): chr1:204,469,499, G>A on the plus strand (C>T on the coding strand, the complement: PIK3C2B is on the minus strand). VCF-style: chr1-204469499-G-A. GRCh37 (hg19) VCF-style: chr1-204438627-G-A.
Other names: c.304C>T, p.Pro102Ser (NM_001377335.1, NM_002646.4); short protein forms P102S.
Identifiers: ClinVar variation 4999780 (VCV004999780.1).